The following is an entry in ClinVar:

ClinVar aggregate classification (germline): Uncertain significance. Review status: criteria provided, multiple submitters, no conflicts (2 of 4 stars). 2 submissions from 2 submitters: Uncertain significance (2). Last evaluated 2026-01-26.

Conditions:
Encephalopathy, acute, infection-induced (herpes-specific), susceptibility to, 1. Also called: Herpes simplex encephalitis, susceptibility to, 1. Identifiers: Orphanet 1930, MedGen C2750180, MONDO:0024563, OMIM 610551.

Allele frequency attached by ClinVar (database versions not stated): TOPMed below 0.00001; ExAC 0.00002; gnomAD exomes 0.00001 and 0.00003.
gnomAD v4.1: 7 of 1,614,188 alleles (0.00043%); highest among the groups gnomAD compares: Middle Eastern, 0.016%; no homozygotes.

Submissions (2):

Labcorp Genetics (formerly Invitae), Labcorp
Classification: Uncertain significance for Encephalopathy, acute, infection-induced (herpes-specific), susceptibility to, 1. Last evaluated: 2026-01-26. Review status: criteria provided, single submitter. Criteria: Invitae Variant Classification Sherloc (09022015). Collection method: clinical testing. Allele origin: germline.
Comment: This sequence change replaces serine, which is neutral and polar, with phenylalanine, which is neutral and non-polar, at codon 24 of the TLR3 protein (p.Ser24Phe). This variant is present in population databases (rs772953712, gnomAD 0.02%). This variant has not been reported in the literature in individuals affected with TLR3-related conditions. ClinVar contains an entry for this variant (Variation ID: 647020). An algorithm developed to predict the effect of missense changes on protein structure and function (PolyPhen-2) suggests that this variant is likely to be tolerated. In summary, the available evidence is currently insufficient to determine the role of this variant in disease. Therefore, it has been classified as a Variant of Uncertain Significance.

Mayo Clinic Laboratories, Mayo Clinic
Classification: Uncertain significance. Last evaluated: 2024-08-05. Review status: criteria provided, single submitter. Criteria: ACMG Guidelines, 2015. Collection method: clinical testing. Allele origin: germline. Observed: 1 variant allele.
Comment: BP4, PM2

NM_003265.3(TLR3):c.71C>T (p.Ser24Phe)

Gene: TLR3 (toll like receptor 3; plus strand). Cytogenetic location: 4q35.1.
Variant type: single nucleotide variant.
Coding change: c.71C>T on transcript NM_003265.3 (MANE Select); coding-DNA position 71, C replaced by T.
Protein change: p.Ser24Phe; replaces serine 24 with phenylalanine.
Molecular consequence: missense variant.
Genome position (GRCh38, 1-based): chr4:186,076,690, C>T. VCF-style: chr4-186076690-C-T. GRCh37 (hg19) VCF-style: chr4-186997844-C-T.
Other names: p.Ser24Phe; short protein forms S24F.
Identifiers: ClinVar variation 647020 (VCV000647020.10), dbSNP rs772953712, ClinGen allele CA3161158.
Genomic context (GRCh38, chr4:186,076,690, plus strand): 5'-CTTTGCCTTGTATCTACTTTTGGGGGGGCCTTTTGCCCTTTGGGATGCTGTGTGCATCCT[C>T]CACCACCAAGTGCACTGTTAGCCATGAAGTTGCTGACTGCAGCCACCTGAAGTTGACTCA-3'
Protein context (NP_003256.1, residues 14-34): LLPFGMLCAS[Ser24Phe]TTKCTVSHEV